The following is an entry in ClinVar:

ClinVar aggregate classification (germline): Benign/Likely benign. Review status: criteria provided, multiple submitters, no conflicts (2 of 4 stars). 4 submissions from 4 submitters: Benign (2); Likely benign (1). 1 of the submissions does not count toward it. Last evaluated 2026-09-01.

Conditions:
SYNE2-related disorder. Also called: SYNE2-related condition.
Emery-Dreifuss muscular dystrophy 5, autosomal dominant (EDMD5). Also called: EMERY-DREIFUSS MUSCULAR DYSTROPHY 5. Identifiers: Orphanet 261, MedGen C2751805, MONDO:0013072, OMIM 612999.

Allele frequency attached by ClinVar (database versions not stated): 1000 Genomes Project 30x 0.00031; ESP Exome Variant Server 0.00034; 1000 Genomes Project 0.00040; TOPMed 0.00054; gnomAD 0.00056; gnomAD exomes 0.00074 and 0.00081; ExAC 0.00081.
gnomAD v4.1: 1,179 of 1,613,218 alleles (0.073%); highest among the groups gnomAD compares: Middle Eastern, 0.3%; 4 homozygotes.

Submissions (4):

CeGaT Center for Human Genetics Tuebingen
Classification: Benign. Last evaluated: 2026-09-01. Review status: criteria provided, single submitter. Criteria: CeGaT Center For Human Genetics Tuebingen Variant Classification Criteria Version 2. Collection method: clinical testing. Allele origin: germline. Affected: yes. Observed: 7 variant alleles.
Comment: SYNE2: BS1, BS2

Labcorp Genetics (formerly Invitae), Labcorp
Classification: Likely benign for Emery-Dreifuss muscular dystrophy 5, autosomal dominant. Last evaluated: 2025-11-04. Review status: criteria provided, single submitter. Criteria: Invitae Variant Classification Sherloc (09022015). Collection method: clinical testing. Allele origin: germline.

Illumina Laboratory Services, Illumina
Classification: Benign for Emery-Dreifuss muscular dystrophy 5, autosomal dominant. Last evaluated: 2018-01-12. Review status: criteria provided, single submitter. Criteria: ICSL Variant Classification Criteria 13 December 2019. Collection method: clinical testing. Allele origin: germline.
Comment: This variant was observed in the ICSL laboratory as part of a predisposition screen in an ostensibly healthy population. It had not been previously curated by ICSL or reported in the Human Gene Mutation Database (HGMD: prior to June 1st, 2018), and was therefore a candidate for classification through an automated scoring system. Utilizing variant allele frequency, disease prevalence and penetrance estimates, and inheritance mode, an automated score was calculated to assess if this variant is too frequent to cause the disease. Based on the score and internal cut-off values, a variant classified as benign is not then subjected to further curation. The score for this variant resulted in a classification of benign for this disease.

PreventionGenetics, part of Exact Sciences
Classification: Likely benign for SYNE2-related condition. Last evaluated: 2024-04-25. Review status: no assertion criteria provided. Collection method: clinical testing. Allele origin: germline. Not counted in ClinVar's aggregate classification.
Comment: This variant is classified as likely benign based on ACMG/AMP sequence variant interpretation guidelines (Richards et al. 2015 PMID: 25741868, with internal and published modifications).

NM_182914.3(SYNE2):c.280A>G (p.Ile94Val)

Gene: SYNE2 (spectrin repeat containing nuclear envelope protein 2; plus strand). Cytogenetic location: 14q23.2.
Variant type: single nucleotide variant.
Coding change: c.280A>G on transcript NM_182914.3 (MANE Select); coding-DNA position 280, A replaced by G.
Protein change: p.Ile94Val; replaces isoleucine 94 with valine.
Molecular consequence: missense variant.
Genome position (GRCh38, 1-based): chr14:63,941,927, A>G. VCF-style: chr14-63941927-A-G. GRCh37 (hg19) VCF-style: chr14-64408645-A-G.
Other names: c.280A>G, p.Ile94Val (NM_015180.6); short protein forms I94V.
Identifiers: ClinVar variation 313483 (VCV000313483.39), dbSNP rs146748294, ClinGen allele CA7219060.
Genomic context (GRCh38, chr14:63,941,927, plus strand): 5'-TTTGCTTGAATTTCACAGCCTCGGGATAAAGGATCTAATACCTTCCAGTGTAGAATCAAT[A>G]TAGAACATGCCTTGACATTCCTAAGAAACCGATCAGTAAGTATAAATTTTTCTTAAAAAT-3'
Protein context (NP_878918.2, residues 84-104): GSNTFQCRIN[Ile94Val]EHALTFLRNR